The following is an entry in ClinVar:

NM_020070.4(IGLL1):c.594C>A (p.His198Gln)

Gene: IGLL1 (immunoglobulin lambda like polypeptide 1; minus strand). Cytogenetic location: 22q11.23.
Variant type: single nucleotide variant.
Coding change: c.594C>A on transcript NM_020070.4 (MANE Select); coding-DNA position 594, C replaced by A.
Protein change: p.His198Gln; replaces histidine 198 with glutamine.
Molecular consequence: missense variant. On other transcripts: 3 prime UTR variant (1).
Genome position (GRCh38, 1-based): chr22:23,573,314, G>T on the plus strand (C>A on the coding strand, the complement: IGLL1 is on the minus strand). VCF-style: chr22-23573314-G-T. GRCh37 (hg19) VCF-style: chr22-23915501-G-T.
Other names: c.597C>A, p.His199Gln (NM_001369906.1); c.*223C>A (NM_152855.3); short protein forms H198Q, H199Q.
Identifiers: ClinVar variation 1021143 (VCV001021143.7), dbSNP rs1064418, ClinGen allele CA10143216.

ClinVar aggregate classification (germline): Uncertain significance. Review status: criteria provided, multiple submitters, no conflicts (2 of 4 stars). 3 submissions from 3 submitters: Uncertain significance (3). Last evaluated 2026-01-11.

Conditions:
Agammaglobulinemia 2, autosomal recessive (AGM2). Also called: AGAMMAGLOBULINEMIA, AUTOSOMAL RECESSIVE, DUE TO IGLL1 DEFECT. Identifiers: MedGen C3150750, MONDO:0013287, OMIM 613500.

Allele frequency attached by ClinVar (database versions not stated): TOPMed 0.00013; 1000 Genomes Project 30x 0.00016.

Submissions (3):

Labcorp Genetics (formerly Invitae), Labcorp
Classification: Uncertain significance for Agammaglobulinemia 2, autosomal recessive. Last evaluated: 2026-01-11. Review status: criteria provided, single submitter. Criteria: Invitae Variant Classification Sherloc (09022015). Collection method: clinical testing. Allele origin: germline.
Comment: This sequence change replaces histidine, which is basic and polar, with glutamine, which is neutral and polar, at codon 198 of the IGLL1 protein (p.His198Gln). The frequency data for this variant in the population databases is considered unreliable, as metrics indicate poor data quality at this position in the gnomAD database. This variant has not been reported in the literature in individuals affected with IGLL1-related conditions. ClinVar contains an entry for this variant (Variation ID: 1021143). An algorithm developed to predict the effect of missense changes on protein structure and function (PolyPhen-2) suggests that this variant is likely to be disruptive. In summary, the available evidence is currently insufficient to determine the role of this variant in disease. Therefore, it has been classified as a Variant of Uncertain Significance.

New York Genome Center
Classification: Uncertain significance for Agammaglobulinemia 2, autosomal recessive. Last evaluated: 2020-07-09. Review status: criteria provided, single submitter. Criteria: NYGC Assertion Criteria 2020. Collection method: clinical testing. Allele origin: germline. Observed: 1 homozygote. Study: CSER-NYCKidSeq.
Comment: The homozygous p.His198Gln missense variant identified in IGLL1 has not been reported in affected individuals in the literature. The variant has 0.0001262 allele frequency in the genomAD(v3) database (18 out of 142,618 heterozygous alleles, no homozygote) indicating it is a rare allele in the populations represented in this database. The variant affects an evolutionary conserved Histidine residue at position 198 and is predicted deleterious by multiple in silico prediction tools. Based on the current evidence, the p.His198Gln variant in the IGLL1gene is assessed as a variant of uncertain significance.

Breakthrough Genomics
Classification: Uncertain significance. Review status: criteria provided, single submitter. Criteria: ACMG Guidelines, 2015. Collection method: not provided. Allele origin: germline. Inheritance: Autosomal dominant inheritance. Affected: yes.